The following is an entry in ClinVar:

ClinVar aggregate classification (germline): Uncertain significance (1 of 4 stars; one submission).

Submission:

Labcorp Genetics (formerly Invitae), Labcorp
Classification: Uncertain significance. Last evaluated: 2025-12-21. Review status: criteria provided, single submitter. Criteria: Invitae Variant Classification Sherloc (09022015). Collection method: clinical testing. Allele origin: germline.
Comment: This sequence change replaces glycine, which is neutral and non-polar, with serine, which is neutral and polar, at codon 438 of the FEZF1 protein (p.Gly438Ser). This variant is not present in population databases (gnomAD no frequency). This variant has not been reported in the literature in individuals affected with FEZF1-related conditions. An algorithm developed to predict the effect of missense changes on protein structure and function outputs the following: PolyPhen-2: "Not Available". The serine amino acid residue is found in multiple mammalian species, which suggests that this missense change does not adversely affect protein function. In summary, the available evidence is currently insufficient to determine the role of this variant in disease. Therefore, it has been classified as a Variant of Uncertain Significance.

NM_001024613.4(FEZF1):c.1312G>A (p.Gly438Ser)

Gene: FEZF1 (FEZ family zinc finger 1; minus strand). Cytogenetic location: 7q31.32.
Variant type: single nucleotide variant.
Coding change: c.1312G>A on transcript NM_001024613.4 (MANE Select); coding-DNA position 1312, G replaced by A.
Protein change: p.Gly438Ser; replaces glycine 438 with serine.
Molecular consequence: missense variant.
Genome position (GRCh38, 1-based): chr7:122,302,113, C>T on the plus strand (G>A on the coding strand, the complement: FEZF1 is on the minus strand). VCF-style: chr7-122302113-C-T. GRCh37 (hg19) VCF-style: chr7-121942167-C-T.
Other names: c.1162G>A, p.Gly388Ser (NM_001160264.3); short protein forms G388S, G438S.
Identifiers: ClinVar variation 4772849 (VCV004772849.1).